The following is an entry in ClinVar:

ClinVar aggregate classification (germline): Likely pathogenic (1 of 4 stars; one submission).

Conditions:
Neurodevelopmental disorder with absent language and variable seizures. Also called: ITO-RAYMOND SYNDROME. Identifiers: MedGen C5231469, MONDO:0032876, OMIM 618707.

Submission:

3billion
Classification: Likely pathogenic for Neurodevelopmental disorder with absent language and variable seizures. Last evaluated: 2025-08-20. Review status: criteria provided, single submitter. Criteria: ACMG Guidelines, 2015. Collection method: clinical testing. Allele origin: germline. Affected: yes.
Comment: The variant is not observed in the gnomAD v4.1.0 dataset. Predicted Consequence/Location: Frameshift: predicted to result in a loss or disruption of normal protein function through nonsense-mediated decay (NMD) or protein truncation. Multiple pathogenic variants are reported downstream of the variant. Therefore, this variant is classified as Likely pathogenic according to the recommendation of ACMG/AMP guideline.

NM_003931.3(WASF1):c.270_271del

Gene: WASF1 (WASP family member 1; minus strand). Cytogenetic location: 6q21.
Variant type: Microsatellite.
Coding change: c.270_271del on transcript NM_003931.3 (MANE Select); coding-DNA positions 270 to 271, 2 bases deleted (GT; older notation c.270_271delGT).
Molecular consequence: splice acceptor variant.
Genome position (GRCh38, 1-based): chr6:110,108,679-110,108,680, AC deleted on the plus strand (GT on the coding strand, the reverse complement: WASF1 is on the minus strand); deleting any 2 consecutive bases within chr6:110,108,679-110,108,682 gives the same sequence; the c. name uses the placement nearest the transcript's 3' end. VCF-style (leftmost placement, unchanged base first): chr6-110108678-GAC-G. GRCh37 (hg19) VCF-style: chr6-110429881-GAC-G.
Identifiers: ClinVar variation 4855185 (VCV004855185.1).